The following is an entry in ClinVar:

ClinVar aggregate classification (germline): Likely benign (0 of 4 stars; one submission).

Conditions:
NCAPD3-related disorder. Also called: NCAPD3-related condition.

Allele frequency attached by ClinVar (database versions not stated): gnomAD 0.00001; gnomAD exomes 0.00001; ExAC 0.00002; TOPMed 0.00002.

Submission:

PreventionGenetics, part of Exact Sciences
Classification: Likely benign for NCAPD3-related condition. Last evaluated: 2019-09-17. Review status: no assertion criteria provided. Collection method: clinical testing. Allele origin: germline.
Comment: This variant is classified as likely benign based on ACMG/AMP sequence variant interpretation guidelines (Richards et al. 2015 PMID: 25741868, with internal and published modifications).

NM_015261.3(NCAPD3):c.4253-7T>C

Gene: NCAPD3 (non-SMC condensin II complex subunit D3; minus strand). Cytogenetic location: 11q25.
Variant type: single nucleotide variant.
Coding change: c.4253-7T>C on transcript NM_015261.3 (MANE Select); 7 bases into the intron before coding-DNA position 4253, T replaced by C.
Molecular consequence: intron variant.
Genome position (GRCh38, 1-based): chr11:134,153,370, A>G on the plus strand (T>C on the coding strand, the complement: NCAPD3 is on the minus strand). VCF-style: chr11-134153370-A-G. GRCh37 (hg19) VCF-style: chr11-134023265-A-G.
Other names: c.3839-7T>C (NM_001372070.1, NM_001372069.1); c.4253-7T>C (NM_001372065.1, NM_001372068.1).
Identifiers: ClinVar variation 3040956 (VCV003040956.2), dbSNP rs763889522, ClinGen allele CA6370466.
Genomic context (GRCh38, chr11:134,153,370, plus strand): 5'-GTGGTGTCCCGATGTAACTGACCCCTGCTCCAAACGTGACATCACTGATGCTCTCTGCAT[A>G]AAGAGGAGACACCACTGAGTGAAAGCCGCGTGGTCTATCGGAGGTCTCTGTTCTAGTTGT-3'